The following is an entry in ClinVar:

NM_000528.4(MAN2B1):c.1501T>A (p.Cys501Ser)

Gene: MAN2B1 (mannosidase alpha class 2B member 1; minus strand). Cytogenetic location: 19p13.13.
Variant type: single nucleotide variant.
Coding change: c.1501T>A on transcript NM_000528.4 (MANE Select); coding-DNA position 1501, T replaced by A.
Protein change: p.Cys501Ser; replaces cysteine 501 with serine.
Molecular consequence: missense variant.
Genome position (GRCh38, 1-based): chr19:12,656,975, A>T on the plus strand (T>A on the coding strand, the complement: MAN2B1 is on the minus strand). VCF-style: chr19-12656975-A-T. GRCh37 (hg19) VCF-style: chr19-12767789-A-T.
Other names: c.1498T>A, p.Cys500Ser (NM_001173498.2); short protein forms C501S, C500S.
Identifiers: ClinVar variation 208270 (VCV000208270.6), dbSNP rs747721968, ClinGen allele CA350972.

ClinVar aggregate classification (germline): Conflicting classifications of pathogenicity. Review status: criteria provided, conflicting classifications (1 of 4 stars). 6 submissions from 6 submitters: Likely pathogenic (1); Uncertain significance (3). 2 of the submissions do not count toward it. Last evaluated 2026-02-05.

Conditions:
Deficiency of alpha-mannosidase (MANSA). Also called: LYSOSOMAL ALPHA-D-MANNOSIDASE DEFICIENCY; Alpha-Mannosidosis; Mannosidosis, alpha-, types I and II. Identifiers: Orphanet 61, MedGen C0024748, MONDO:0009561, OMIM 248500.

Allele frequency attached by ClinVar (database versions not stated): gnomAD exomes below 0.00001; ExAC 0.00001; gnomAD 0.00001 and 0.00002; TOPMed 0.00001.
gnomAD v4.1: 9 of 1,613,560 alleles (0.00056%); highest among the groups gnomAD compares: African/African-American, 0.0027%; no homozygotes.

Submissions (6):

Myriad Genetics, Inc.
Classification: Uncertain significance for Deficiency of alpha-mannosidase. Last evaluated: 2026-02-05. Review status: criteria provided, single submitter. Criteria: Myriad Autosomal Dominant, Autosomal Recessive and X-Linked Classification Criteria (2023). Collection method: clinical testing. Allele origin: unknown.
Comment: NM_000528.3(MAN2B1):c.1501T>A(C501S) is a missense variant classified as a variant of uncertain significance in the context of alpha-mannosidosis. C501S has been observed in a case with relevant disease (PMID: 22161967). Relevant functional assessments of this variant are available in the literature (PMID: 21505070). C501S has not been observed in referenced population frequency databases. In summary, there is insufficient evidence to classify NM_000528.3(MAN2B1):c.1501T>A(C501S) as pathogenic or benign. Please note: this variant was assessed in the context of healthy population screening.

3billion
Classification: Likely pathogenic for Deficiency of alpha-mannosidase. Last evaluated: 2024-10-19. Review status: criteria provided, single submitter. Criteria: ACMG Guidelines, 2015. Collection method: clinical testing. Allele origin: germline. Affected: yes.
Comment: The variant is observed at an extremely low frequency in the gnomAD v4.1.0 dataset (total allele frequency: <0.001%). Predicted Consequence/Location: Missense variant. The majority of the known disease-causing variants of this gene are variants expected to result in premature termination of the protein. In silico tool predictions suggest damaging effect of the variant on gene or gene product [REVEL: 0.78 (>=0.6, sensitivity 0.68 and specificity 0.92); 3Cnet: 0.78 (>=0.6, sensitivity 0.72 and precision 0.9)]. The same nucleotide change resulting in the same amino acid change has been previously reported to be associated with MAN2B1 related disorder (PMID: 22161967). The variant has been reported to be in trans with a pathogenic variant as either compound heterozygous or homozygous in at least one similarly affected unrelated individual (PMID: 22161967). Therefore, this variant is classified as Likely pathogenic according to the recommendation of ACMG/AMP guideline.

Fulgent Genetics
Classification: Uncertain significance for Deficiency of alpha-mannosidase. Last evaluated: 2021-10-22. Review status: criteria provided, single submitter. Criteria: ACMG Guidelines, 2015. Collection method: clinical testing. Allele origin: unknown.

Women's Health and Genetics/Laboratory Corporation of America, LabCorp
Classification: Uncertain significance. Last evaluated: 2021-08-20. Review status: criteria provided, single submitter. Criteria: LabCorp Variant Classification Summary - May 2015. Collection method: clinical testing. Allele origin: germline.
Comment: Variant summary: MAN2B1 c.1501T>A (p.Cys501Ser) results in a non-conservative amino acid change in the encoded protein sequence. Four of five in-silico tools predict a damaging effect of the variant on protein function. The variant allele was found at a frequency of 4e-06 in 250324 control chromosomes. The available data on variant occurrences in the general population are insufficient to allow any conclusion about variant significance. c.1501T>A has been reported in the literature in an individual affected with Type II - Alpha-Mannosidosis. The individual was compound heterozygous for the variant of interest and another pathogenic variant. However, the variant was also in cis with another variant c.2849G>C p.R950P (Borgwardt_2015). Intra cellular processing, transport and secretion studies in cell culture suggested that single mutations p.C501S and p.R950P were processed and transported to lysosomes but in the combined double variant, no indication of lysosomal localization was noted. The authors further report that whether both mutations were required for the disease development remain unknown (Kuokkanen_2011). No clinical diagnostic laboratories have submitted clinical-significance assessments for this variant to ClinVar after 2014. Based on the evidence outlined above, the variant was classified as uncertain significance.

Natera, Inc.
Classification: Uncertain significance for Alpha-mannosidosis. Last evaluated: 2021-06-03. Review status: no assertion criteria provided. Collection method: clinical testing. Allele origin: germline. Not counted in ClinVar's aggregate classification.

ClinVar Staff, National Center for Biotechnology Information (NCBI)
Classification: Uncertain significance for Deficiency of alpha-mannosidase. Last evaluated: 2012-06-07. Review status: no assertion criteria provided. Collection method: literature only. Allele origin: germline. Affected: yes. Not counted in ClinVar's aggregate classification.

Literature cited by the submitters: PubMed 21505070 (cited by Myriad Genetics, Inc. and Women's Health and Genetics/Laboratory Corporation of America, LabCorp); PubMed 22161967 (cited by 4 submitters); PubMed 26048034 (cited by Women's Health and Genetics/Laboratory Corporation of America, LabCorp); PubMed 29859105 (cited by Women's Health and Genetics/Laboratory Corporation of America, LabCorp).